The following is an entry in ClinVar:

NM_004204.5(PIGQ):c.91G>A (p.Val31Met)

Gene: PIGQ (phosphatidylinositol glycan anchor biosynthesis class Q; plus strand). Cytogenetic location: 16p13.3.
Variant type: single nucleotide variant.
Coding change: c.91G>A on transcript NM_004204.5 (MANE Select); coding-DNA position 91, G replaced by A.
Protein change: p.Val31Met; replaces valine 31 with methionine.
Molecular consequence: missense variant.
Genome position (GRCh38, 1-based): chr16:574,165, G>A. VCF-style: chr16-574165-G-A. GRCh37 (hg19) VCF-style: chr16-624165-G-A.
Other names: c.91G>A (NM_148920.1); c.91G>A, p.Val31Met (NM_148920.4); short protein forms V31M.
Identifiers: ClinVar variation 526274 (VCV000526274.13), dbSNP rs148273392, ClinGen allele CA7779780.

ClinVar aggregate classification (germline): Uncertain significance. Review status: criteria provided, multiple submitters, no conflicts (2 of 4 stars). 4 submissions from 4 submitters: Uncertain significance (4). Last evaluated 2025-01-06.

Conditions:
Epilepsy. Also called: Seizure disorder. Identifiers: MedGen C0014544, MeSH D004827, MONDO:0005027.
Developmental and epileptic encephalopathy, 77. Also called: GLYCOSYLPHOSPHATIDYLINOSITOL BIOSYNTHESIS DEFECT 19; MULTIPLE CONGENITAL ANOMALIES-HYPOTONIA-SEIZURES SYNDROME 4; EPILEPTIC ENCEPHALOPATHY, EARLY INFANTILE, 77. Identifiers: MedGen C5231405, MONDO:0032808, OMIM 618548.
Inborn genetic diseases. Identifiers: MedGen C0950123, MeSH D030342.

Allele frequency attached by ClinVar (database versions not stated): gnomAD 0.00005 and 0.00006; ESP Exome Variant Server 0.00008; ExAC 0.00009; TOPMed 0.00009.
gnomAD v4.1: 97 of 1,612,526 alleles (0.006%); highest among the groups gnomAD compares: Admixed American, 0.025%; no homozygotes.

Submissions (4):

Labcorp Genetics (formerly Invitae), Labcorp
Classification: Uncertain significance for Epilepsy. Last evaluated: 2025-01-06. Review status: criteria provided, single submitter. Criteria: Invitae Variant Classification Sherloc (09022015). Collection method: clinical testing. Allele origin: germline.
Comment: This sequence change replaces valine, which is neutral and non-polar, with methionine, which is neutral and non-polar, at codon 31 of the PIGQ protein (p.Val31Met). This variant is present in population databases (rs148273392, gnomAD 0.04%). This variant has not been reported in the literature in individuals affected with PIGQ-related conditions. ClinVar contains an entry for this variant (Variation ID: 526274). An algorithm developed to predict the effect of missense changes on protein structure and function (PolyPhen-2) suggests that this variant is likely to be disruptive. In summary, the available evidence is currently insufficient to determine the role of this variant in disease. Therefore, it has been classified as a Variant of Uncertain Significance.

Ambry Genetics
Classification: Uncertain significance for Inborn genetic diseases. Last evaluated: 2022-11-15. Review status: criteria provided, single submitter. Criteria: Ambry Variant Classification Scheme 2023. Collection method: clinical testing. Allele origin: germline.

GeneDx
Classification: Uncertain significance. Last evaluated: 2022-04-07. Review status: criteria provided, single submitter. Criteria: GeneDx Variant Classification Process June 2021. Collection method: clinical testing. Allele origin: germline. Affected: yes.
Comment: In silico analysis supports that this missense variant has a deleterious effect on protein structure/function; Has not been previously published as pathogenic or benign to our knowledge

ARUP Laboratories, Molecular Genetics and Genomics, ARUP Laboratories
Classification: Uncertain significance for Developmental and epileptic encephalopathy, 77. Last evaluated: 2021-09-08. Review status: criteria provided, single submitter. Criteria: ARUP Molecular Germline Variant Investigation Process 2021. Collection method: clinical testing. Allele origin: germline.